The following is an entry in ClinVar:

NM_006648.4(WNK2):c.2402T>C (p.Val801Ala)

Gene: WNK2 (WNK lysine deficient protein kinase 2; plus strand). Cytogenetic location: 9q22.31.
Variant type: single nucleotide variant.
Coding change: c.2402T>C on transcript NM_006648.4 (MANE Select); coding-DNA position 2402, T replaced by C.
Protein change: p.Val801Ala; replaces valine 801 with alanine.
Molecular consequence: missense variant.
Genome position (GRCh38, 1-based): chr9:93,258,950, T>C. VCF-style: chr9-93258950-T-C. GRCh37 (hg19) VCF-style: chr9-96021232-T-C.
Other names: c.2402T>C, p.Val801Ala (NM_001282394.3); short protein forms V801A.
Identifiers: ClinVar variation 4842116 (VCV004842116.1).
Genomic context (GRCh38, chr9:93,258,950, plus strand): 5'-TGGTTGGGGCCCACACTGACACACTCCTGTGTCTCTTTCAGATGCCCCCGATTCCTGTTG[T>C]GCCCCCCATCACGCCCCTGGCGGGAATCGACGGCCTCCCTCCGGCCCTCCCAGACCTGCC-3'
Protein context (NP_006639.3, residues 791-811): VPPQMPPIPV[Val801Ala]PPITPLAGID

ClinVar aggregate classification (germline): Uncertain significance (1 of 4 stars; one submission).

Submission:

Ambry Genetics
Classification: Uncertain significance. Last evaluated: 2026-01-01. Review status: criteria provided, single submitter. Criteria: Ambry Variant Classification Scheme 2023. Collection method: clinical testing. Allele origin: germline.
Comment: The p.V801A variant (also known as c.2402T>C), located in coding exon 11 of the WNK2 gene, results from a T to C substitution at nucleotide position 2402. The valine at codon 801 is replaced by alanine, an amino acid with similar properties. This amino acid position is conserved. In addition, this alteration is predicted to be tolerated by in silico analysis. Based on the available evidence, the clinical significance of this variant remains unclear.